The following is an entry in ClinVar:

NM_003242.6(TGFBR2):c.314A>C (p.Lys105Thr)

Gene: TGFBR2 (transforming growth factor beta receptor 2; plus strand). Cytogenetic location: 3p24.1.
Variant type: single nucleotide variant.
Coding change: c.314A>C on transcript NM_003242.6 (MANE Select); coding-DNA position 314, A replaced by C.
Protein change: p.Lys105Thr; replaces lysine 105 with threonine.
Molecular consequence: missense variant.
Genome position (GRCh38, 1-based): chr3:30,650,320, A>C. VCF-style: chr3-30650320-A-C. GRCh37 (hg19) VCF-style: chr3-30691812-A-C.
Other names: c.389A>C, p.Lys130Thr (NM_001024847.3, NM_001407126.1, NM_001407139.1); c.314A>C, p.Lys105Thr (NM_001407127.1, NM_001407130.1); c.341A>C, p.Lys114Thr (NM_001407128.1); c.209A>C, p.Lys70Thr (NM_001407129.1, NM_001407132.1, NM_001407133.1 and 3 more transcripts); short protein forms K105T, K70T, K114T, K130T.
Identifiers: ClinVar variation 2175650 (VCV002175650.4), dbSNP rs2125410050, ClinGen allele CA351806808.

ClinVar aggregate classification (germline): Uncertain significance (1 of 4 stars; one submission).

Conditions:
Familial thoracic aortic aneurysm and aortic dissection (TAAD). Also called: Thoracic aortic aneurysms and dissections. Identifiers: Orphanet 91387, MedGen C4707243, MONDO:0019625.

Submission:

Labcorp Genetics (formerly Invitae), Labcorp
Classification: Uncertain significance for Familial thoracic aortic aneurysm and aortic dissection. Last evaluated: 2022-01-03. Review status: criteria provided, single submitter. Criteria: Invitae Variant Classification Sherloc (09022015). Collection method: clinical testing. Allele origin: germline.
Comment: In summary, the available evidence is currently insufficient to determine the role of this variant in disease. Therefore, it has been classified as a Variant of Uncertain Significance. Advanced modeling of protein sequence and biophysical properties (such as structural, functional, and spatial information, amino acid conservation, physicochemical variation, residue mobility, and thermodynamic stability) performed at Invitae indicates that this missense variant is not expected to disrupt TGFBR2 protein function. This variant has not been reported in the literature in individuals affected with TGFBR2-related conditions. This variant is not present in population databases (gnomAD no frequency). This sequence change replaces lysine, which is basic and polar, with threonine, which is neutral and polar, at codon 105 of the TGFBR2 protein (p.Lys105Thr).